The following is an entry in ClinVar:

NM_005236.3(ERCC4):c.2734G>A (p.Gly912Arg)

Gene: ERCC4 (ERCC excision repair 4, endonuclease catalytic subunit; plus strand). Cytogenetic location: 16p13.12.
Variant type: single nucleotide variant.
Coding change: c.2734G>A on transcript NM_005236.3 (MANE Select); coding-DNA position 2734, G replaced by A.
Protein change: p.Gly912Arg; replaces glycine 912 with arginine.
Molecular consequence: missense variant.
Genome position (GRCh38, 1-based): chr16:13,948,330, G>A. VCF-style: chr16-13948330-G-A. GRCh37 (hg19) VCF-style: chr16-14042187-G-A.
Other names: short protein forms G912R.
Identifiers: ClinVar variation 134141 (VCV000134141.18), dbSNP rs150077735, ClinGen allele CA158885.

ClinVar aggregate classification (germline): Conflicting classifications of pathogenicity. Review status: criteria provided, conflicting classifications (1 of 4 stars). 6 submissions from 6 submitters: Uncertain significance (1); Likely benign (3). 2 of the submissions do not count toward it. Last evaluated 2026-02-01.

Conditions:
ERCC4-related disorder. Also called: ERCC4-related condition.
Xeroderma pigmentosum, group F (XPF). Also called: XERODERMA PIGMENTOSUM VI; XP, GROUP F; XERODERMA PIGMENTOSUM, COMPLEMENTATION GROUP F; ERCC4-Related Xeroderma Pigmentosum; XERODERMA PIGMENTOSUM, TYPE F; Xeroderma pigmentosum, type 6. Identifiers: MedGen C0268140, MONDO:0010215, OMIM 278760.
Cockayne syndrome. Identifiers: Orphanet 191, MedGen C0009207, MONDO:0016006.
Fanconi anemia complementation group Q. Identifiers: Orphanet 84, MedGen C3808988, MONDO:0014108, OMIM 615272.

Allele frequency attached by ClinVar (database versions not stated): gnomAD exomes 0.00006 and 0.00021; gnomAD 0.00007 and 0.00010; TOPMed 0.00015; 1000 Genomes Project 30x 0.00016; 1000 Genomes Project 0.00020; ExAC 0.00025.
gnomAD v4.1: 106 of 1,611,460 alleles (0.0066%); highest among the groups gnomAD compares: East Asian, 0.21%; 2 homozygotes.

Submissions (6):

Labcorp Genetics (formerly Invitae), Labcorp
Classification: Likely benign for Fanconi anemia complementation group Q; Xeroderma pigmentosum, group F; Cockayne syndrome. Last evaluated: 2026-02-01. Review status: criteria provided, single submitter. Criteria: Invitae Variant Classification Sherloc (09022015). Collection method: clinical testing. Allele origin: germline.

PreventionGenetics, part of Exact Sciences
Classification: Likely benign for ERCC4-related condition. Last evaluated: 2025-10-13. Review status: criteria provided, single submitter. Criteria: ACMG Guidelines, 2015. Collection method: clinical testing. Allele origin: germline.
Comment: This variant is classified as likely benign based on ACMG/AMP sequence variant interpretation guidelines (Richards et al. 2015 PMID: 25741868, with internal and published modifications).

KCCC/NGS Laboratory, Kuwait Cancer Control Center
Classification: Likely benign for Xeroderma pigmentosum, group F. Last evaluated: 2023-07-07. Review status: criteria provided, single submitter. Criteria: ACMG Guidelines, 2015. Collection method: clinical testing. Allele origin: germline. Affected: yes.

Genetic Services Laboratory, University of Chicago
Classification: Uncertain significance. Last evaluated: 2019-09-17. Review status: criteria provided, single submitter. Criteria: ACMG Guidelines, 2015. Collection method: clinical testing. Allele origin: germline. Affected: no.

ITMI
No classification provided. Condition: AllHighlyPenetrant. Last evaluated: 2013-09-19. Review status: no classification provided. Collection method: reference population. Allele origin: germline. Not counted in ClinVar's aggregate classification.
Comment: Please see associated publication for description of ethnicities

Department of Pathology and Laboratory Medicine, Sinai Health System
Classification: Uncertain significance. Review status: no assertion criteria provided. Collection method: clinical testing. Allele origin: unknown. Affected: yes. Study: The Canadian Open Genetics Repository (COGR). Not counted in ClinVar's aggregate classification.
Comment: The ERCC4 p.Gly912Arg variant was not identified in the literature nor was it identified in Cosmic or LOVD 3.0. The variant was identified in dbSNP (ID: rs150077735) and ClinVar (classified as likely benign by Invitae). The variant was identified in control databases in 58 of 264586 chromosomes (1 homozygous) at a frequency of 0.0002192 (Genome Aggregation Database March 6, 2019, v2.1.1, non-cancer). The variant was observed in the following populations: East Asian in 57 of 19170 chromosomes (freq: 0.002973) and Latino in 1 of 35058 chromosomes (freq: 0.000029), but was not observed in the African, Ashkenazi Jewish, European (Finnish), European (non-Finnish), Other, or South Asian populations. The p.Gly912 residue is conserved in mammals and computational analyses (PolyPhen-2, SIFT, AlignGVGD, BLOSUM, MutationTaster) provide inconsistent predictions regarding the impact to the protein; this information is not very predictive of pathogenicity. The variant occurs outside of the splicing consensus sequence and in silico or computational prediction software programs (SpliceSiteFinder, MaxEntScan, NNSPLICE, GeneSplicer) do not predict a difference in splicing. In summary, based on the above information the clinical significance of this variant cannot be determined with certainty at this time. This variant is classified as a variant of uncertain significance.

Literature cited by the submitters: PubMed 24728327 (cited by ITMI).